The following is an entry in ClinVar:

NM_007294.4(BRCA1):c.2774T>C (p.Ile925Thr)

Gene: BRCA1 (BRCA1 DNA repair associated; minus strand). Cytogenetic location: 17q21.31.
Variant type: single nucleotide variant.
Coding change: c.2774T>C on transcript NM_007294.4 (MANE Select); coding-DNA position 2774, T replaced by C.
Protein change: p.Ile925Thr; replaces isoleucine 925 with threonine.
Molecular consequence: missense variant. On other transcripts: intron variant (137).
Genome position (GRCh38, 1-based): chr17:43,092,757, A>G on the plus strand (T>C on the coding strand, the complement: BRCA1 is on the minus strand). VCF-style: chr17-43092757-A-G. GRCh37 (hg19) VCF-style: chr17-41244774-A-G.
Other names: c.785-1725T>C (NM_001407991.1, NM_001408407.1, NM_001408402.1 and 13 more transcripts); c.665-1725T>C (NM_001408427.1, NM_001408443.1, NM_001408439.1 and 12 more transcripts); c.524-1725T>C (NM_001408496.1, NM_001408499.1, NM_001408498.1 and 3 more transcripts); c.647-1725T>C (NM_001408460.1, NM_001408454.1, NM_001408456.1 and 11 more transcripts); c.707-1725T>C (NM_001408413.1, NM_001408416.1); c.587-1725T>C (NM_001408476.1, NM_001408474.1); c.710-1725T>C (NM_001408409.1, NM_001408415.1, NM_001408414.1 and 2 more transcripts); c.575-1725T>C (NM_001408493.1, NM_001408490.1, NM_001408491.1); and 41 more; short protein forms I925T, I878T, I814T, I858T, I898T, I757T, I813T, I857T.
Identifiers: ClinVar variation 560854 (VCV000560854.6), dbSNP rs1567794296, ClinGen allele CA10596445.
Genomic context (GRCh38, chr17:43,092,757, plus strand): 5'-CTACATTTGGCATTATCAACTGGCTTATCTTTCTGACCAACCACAGGAAAGCCTGCAGTG[A>G]TATTAACTGTCTGTACAGGCTTGATATTAGACTCATTCTTTCCTTGATTTTCTTCCTTTT-3'
Protein context (NP_009225.1, residues 915-935): SNIKPVQTVN[Ile925Thr]TAGFPVVGQK

ClinVar aggregate classification (germline): Conflicting classifications of pathogenicity. Review status: criteria provided, conflicting classifications (1 of 4 stars). 3 submissions from 3 submitters: Uncertain significance (1); Likely benign (2). Last evaluated 2024-09-16.

Conditions:
Hereditary cancer-predisposing syndrome. Also called: Hereditary neoplastic syndrome; Neoplastic Syndromes, Hereditary; Tumor predisposition; Hereditary Cancer Syndrome. Identifiers: Orphanet 140162, MedGen C0027672, MeSH D009386, MONDO:0015356.

Submissions (3):

Ambry Genetics
Classification: Likely benign for Hereditary cancer-predisposing syndrome. Last evaluated: 2024-09-16. Review status: criteria provided, single submitter. Criteria: Ambry Variant Classification Scheme 2023. Collection method: clinical testing. Allele origin: germline.

University of Washington Department of Laboratory Medicine, University of Washington
Classification: Likely benign for Hereditary cancer-predisposing syndrome. Last evaluated: 2023-03-23. Review status: criteria provided, single submitter. Criteria: Dines et al. (Genet Med. 2020). Collection method: curation. Allele origin: germline.
Comment: Missense variant in a coldspot region where missense variants are very unlikely to be pathogenic (PMID:31911673).

BRCA1 coldspot (exon 11 using historical exon numbering). Reclassification based on statistical prior probability

PreventionGenetics, part of Exact Sciences
Classification: Uncertain significance. Last evaluated: 2017-08-24. Review status: criteria provided, single submitter. Criteria: ACMG Guidelines, 2015. Collection method: clinical testing. Allele origin: germline.